The following is an entry in ClinVar:

NM_182961.4(SYNE1):c.2097+38G>A

Gene: SYNE1 (spectrin repeat containing nuclear envelope protein 1; minus strand). Cytogenetic location: 6q25.2.
Variant type: single nucleotide variant.
Coding change: c.2097+38G>A on transcript NM_182961.4 (MANE Select); 38 bases into the intron after coding-DNA position 2097, G replaced by A.
Molecular consequence: intron variant.
Genome position (GRCh38, 1-based): chr6:152,463,315, C>T on the plus strand (G>A on the coding strand, the complement: SYNE1 is on the minus strand). VCF-style: chr6-152463315-C-T. GRCh37 (hg19) VCF-style: chr6-152784450-C-T.
Other names: c.2118+38G>A (NM_033071.5).
Identifiers: ClinVar variation 677772 (VCV000677772.1), dbSNP rs143505528, ClinGen allele CA4059231.

ClinVar aggregate classification (germline): Benign (1 of 4 stars; one submission).

Allele frequency attached by ClinVar (database versions not stated): ESP Exome Variant Server 0.00062; gnomAD exomes 0.00186 and 0.00908; gnomAD 0.00312 and 0.00316; 1000 Genomes Project 0.00379; 1000 Genomes Project 30x 0.00437; TOPMed 0.00629; ExAC 0.00733.
gnomAD v4.1: 3,146 of 1,611,814 alleles (0.2%); highest among the groups gnomAD compares: Admixed American, 4.9%; 112 homozygotes.

Submission:

GeneDx
Classification: Benign. Last evaluated: 2018-06-19. Review status: criteria provided, single submitter. Criteria: GeneDx Variant Classification (06012015). Collection method: clinical testing. Allele origin: germline. Affected: yes.
Comment: This variant is considered likely benign or benign based on one or more of the following criteria: it is a conservative change, it occurs at a poorly conserved position in the protein, it is predicted to be benign by multiple in silico algorithms, and/or has population frequency not consistent with disease.